The following is an entry in ClinVar:

ClinVar aggregate classification (germline): Conflicting classifications of pathogenicity. Review status: criteria provided, conflicting classifications (1 of 4 stars). 4 submissions from 4 submitters: Uncertain significance (3); Likely benign (1). Last evaluated 2025-11-10.

Conditions:
Renal cell carcinoma. Identifiers: Orphanet 217071, MedGen C0007134, MeSH D002292, MONDO:0005086, HP:0005584.
Autosomal recessive nonsyndromic hearing loss 97. Also called: Deafness, autosomal recessive 97. Identifiers: Orphanet 90636, MedGen C4084709, MONDO:0014739, OMIM 616705.
Hereditary cancer-predisposing syndrome. Also called: Neoplastic Syndromes, Hereditary; Hereditary Cancer Syndrome; Tumor predisposition; Hereditary neoplastic syndrome. Identifiers: Orphanet 140162, MedGen C0027672, MeSH D009386, MONDO:0015356.
Papillary renal cell carcinoma type 1 (RCCP1). Also called: Renal adenocarcinoma; Renal cell carcinoma 1; Renal cell carcinoma, somatic; RENAL CELL CARCINOMA, PAPILLARY, 1, SOMATIC. Identifiers: Orphanet 47044, MedGen C1336839, OMIM 605074, HP:0011797.

Submissions (4):

Labcorp Genetics (formerly Invitae), Labcorp
Classification: Uncertain significance for Renal cell carcinoma. Last evaluated: 2025-11-10. Review status: criteria provided, single submitter. Criteria: Invitae Variant Classification Sherloc (09022015). Collection method: clinical testing. Allele origin: germline.
Comment: This sequence change replaces threonine, which is neutral and polar, with proline, which is neutral and non-polar, at codon 309 of the MET protein (p.Thr309Pro). This variant is not present in population databases (gnomAD no frequency). This variant has not been reported in the literature in individuals affected with MET-related conditions. ClinVar contains an entry for this variant (Variation ID: 584710). Invitae Evidence Modeling of protein sequence and biophysical properties (such as structural, functional, and spatial information, amino acid conservation, physicochemical variation, residue mobility, and thermodynamic stability) indicates that this missense variant is not expected to disrupt MET protein function with a negative predictive value of 80%. In summary, the available evidence is currently insufficient to determine the role of this variant in disease. Therefore, it has been classified as a Variant of Uncertain Significance.

Ambry Genetics
Classification: Likely benign for Hereditary cancer-predisposing syndrome. Last evaluated: 2024-10-29. Review status: criteria provided, single submitter. Criteria: Ambry Variant Classification Scheme 2023. Collection method: clinical testing. Allele origin: germline.

Baylor Genetics
Classification: Uncertain significance for Autosomal recessive nonsyndromic hearing loss 97. Last evaluated: 2024-02-15. Review status: criteria provided, single submitter. Criteria: ACMG Guidelines, 2015. Collection method: clinical testing. Allele origin: unknown.

Mendelics
Classification: Uncertain significance for Renal cell carcinoma, papillary, 1. Last evaluated: 2018-07-02. Review status: criteria provided, single submitter. Criteria: Mendelics Assertion Criteria 2017. Collection method: clinical testing. Allele origin: unknown.

NM_000245.4(MET):c.925A>C (p.Thr309Pro)

Gene: MET (MET proto-oncogene, receptor tyrosine kinase; plus strand). Cytogenetic location: 7q31.2.
Variant type: single nucleotide variant.
Coding change: c.925A>C on transcript NM_000245.4 (MANE Select); coding-DNA position 925, A replaced by C.
Protein change: p.Thr309Pro; replaces threonine 309 with proline.
Molecular consequence: missense variant. On other transcripts: intron variant (1).
Genome position (GRCh38, 1-based): chr7:116,700,009, A>C. VCF-style: chr7-116700009-A-C. GRCh37 (hg19) VCF-style: chr7-116340063-A-C.
Other names: c.925A>C, p.Thr309Pro (NM_001127500.3, NM_001324401.3); c.-91+27432A>C (NM_001324402.2); short protein forms T309P.
Identifiers: ClinVar variation 584710 (VCV000584710.16), dbSNP rs35601148, ClinGen allele CA164889217.
Genomic context (GRCh38, chr7:116,700,009, plus strand): 5'-CATTCCTACATGGAAATGCCTCTGGAGTGTATTCTCACAGAAAAGAGAAAAAAGAGATCC[A>C]CAAAGAAGGAAGTGTTTAATATACTTCAGGCTGCGTATGTCAGCAAGCCTGGGGCCCAGC-3'
Protein context (NP_000236.2, residues 299-319): ILTEKRKKRS[Thr309Pro]KKEVFNILQA